The following is an entry in ClinVar:

ClinVar aggregate classification (germline): Uncertain significance. Review status: criteria provided, multiple submitters, no conflicts (2 of 4 stars). 2 submissions from 2 submitters: Uncertain significance (2). Last evaluated 2025-12-16.

Conditions:
Inborn genetic diseases. Identifiers: MedGen C0950123, MeSH D030342.

gnomAD v4.1: 45 of 1,613,086 alleles (0.0028%); highest among the groups gnomAD compares: Non-Finnish European, 0.0036%; no homozygotes.

Submissions (2):

Ambry Genetics
Classification: Uncertain significance for Inborn genetic diseases. Last evaluated: 2025-12-16. Review status: criteria provided, single submitter. Criteria: Ambry Variant Classification Scheme 2023. Collection method: clinical testing. Allele origin: germline.

Labcorp Genetics (formerly Invitae), Labcorp
Classification: Uncertain significance. Last evaluated: 2021-09-24. Review status: criteria provided, single submitter. Criteria: Invitae Variant Classification Sherloc (09022015). Collection method: clinical testing. Allele origin: germline.
Comment: This sequence change replaces arginine with glycine at codon 682 of the CARMIL2 protein (p.Arg682Gly). The arginine residue is moderately conserved and there is a moderate physicochemical difference between arginine and glycine. This variant is not present in population databases (ExAC no frequency). This variant has not been reported in the literature in individuals with CARMIL2-related conditions. Algorithms developed to predict the effect of missense changes on protein structure and function are either unavailable or do not agree on the potential impact of this missense change (SIFT: "Deleterious"; PolyPhen-2: "Benign"; Align-GVGD: "Class C0"). In summary, the available evidence is currently insufficient to determine the role of this variant in disease. Therefore, it has been classified as a Variant of Uncertain Significance.

NM_001013838.3(CARMIL2):c.2044C>G (p.Arg682Gly)

Gene: CARMIL2 (capping protein regulator and myosin 1 linker 2; plus strand). Cytogenetic location: 16q22.1.
Variant type: single nucleotide variant.
Coding change: c.2044C>G on transcript NM_001013838.3 (MANE Select); coding-DNA position 2044, C replaced by G.
Protein change: p.Arg682Gly; replaces arginine 682 with glycine.
Molecular consequence: missense variant.
Genome position (GRCh38, 1-based): chr16:67,649,930, C>G. VCF-style: chr16-67649930-C-G. GRCh37 (hg19) VCF-style: chr16-67683833-C-G.
Other names: c.1936C>G, p.Arg646Gly (NM_001317026.3); c.2044C>G (NM_001013838.1); short protein forms R646G, R682G.
Identifiers: ClinVar variation 1463266 (VCV001463266.6), dbSNP rs779829689, ClinGen allele CA396339765.